The following is an entry in ClinVar:

ClinVar aggregate classification (germline): Pathogenic (1 of 4 stars; one submission).

Submission:

Labcorp Genetics (formerly Invitae), Labcorp
Classification: Pathogenic. Last evaluated: 2025-06-22. Review status: criteria provided, single submitter. Criteria: Invitae Variant Classification Sherloc (09022015). Collection method: clinical testing. Allele origin: germline.
Comment: This sequence change creates a premature translational stop signal (p.Cys8Alafs*14) in the EPHB4 gene. It is expected to result in an absent or disrupted protein product. Loss-of-function variants in EPHB4 are known to be pathogenic (PMID: 28687708). This variant is not present in population databases (gnomAD no frequency). This variant has not been reported in the literature in individuals affected with EPHB4-related conditions. For these reasons, this variant has been classified as Pathogenic.

Literature cited by the submitters: PubMed 28687708.

NM_004444.5(EPHB4):c.21del (p.Cys8fs)

Genes: EPHB4 (EPH receptor B4; minus strand), SLC12A9 (solute carrier family 12 member 9; plus strand). Cytogenetic location: 7q22.1.
Variant type: Deletion.
Coding change: c.21del on transcript NM_004444.5 (MANE Select); coding-DNA position 21, one base deleted (C; older notation c.21delC).
Protein change: p.Cys8fs; shifts the reading frame from cysteine 8.
Molecular consequence: frameshift variant. On other transcripts: 5 prime UTR variant (1).
Genome position (GRCh38, 1-based): chr7:100,827,010, G deleted on the plus strand (C on the coding strand, the reverse complement: EPHB4 is on the minus strand). VCF-style (leftmost placement, unchanged base first): chr7-100827009-AG-A. GRCh37 (hg19) VCF-style: chr7-100424631-AG-A.
Other names: c.-19del (NM_001363494.1); short protein forms C8fs.
Identifiers: ClinVar variation 4721872 (VCV004721872.1).